The following is an entry in ClinVar:

ClinVar aggregate classification (germline): Uncertain significance (1 of 4 stars; one submission).

Conditions:
Charcot-Marie-Tooth disease type 2. Also called: Charcot-Marie-Tooth type 2. Identifiers: Orphanet 64746, MedGen C0270914, MONDO:0018993.

Submission:

Labcorp Genetics (formerly Invitae), Labcorp
Classification: Uncertain significance for Charcot-Marie-Tooth disease type 2. Last evaluated: 2024-01-11. Review status: criteria provided, single submitter. Criteria: Invitae Variant Classification Sherloc (09022015). Collection method: clinical testing. Allele origin: germline.
Comment: This sequence change affects codon 731 of the GARS mRNA. It is a 'silent' change, meaning that it does not change the encoded amino acid sequence of the GARS protein. This variant is not present in population databases (gnomAD no frequency). This variant has not been reported in the literature in individuals affected with GARS-related conditions. Algorithms developed to predict the effect of sequence changes on RNA splicing suggest that this variant may create or strengthen a splice site. In summary, the available evidence is currently insufficient to determine the role of this variant in disease. Therefore, it has been classified as a Variant of Uncertain Significance.

NM_002047.4(GARS1):c.2193T>A (p.Thr731=)

Gene: GARS1 (glycyl-tRNA synthetase 1; plus strand). Cytogenetic location: 7p14.3.
Variant type: single nucleotide variant.
Coding change: c.2193T>A on transcript NM_002047.4 (MANE Select); coding-DNA position 2193, T replaced by A.
Protein change: p.Thr731=; no amino-acid change (threonine 731 retained).
Molecular consequence: synonymous variant.
Genome position (GRCh38, 1-based): chr7:30,633,833, T>A. VCF-style: chr7-30633833-T-A. GRCh37 (hg19) VCF-style: chr7-30673449-T-A.
Other names: c.2031T>A, p.Thr677= (NM_001316772.1).
Identifiers: ClinVar variation 2708778 (VCV002708778.3), dbSNP rs2534339472, ClinGen allele CA454267608.